The following is an entry in ClinVar:

ClinVar aggregate classification (germline): Uncertain significance. Review status: criteria provided, multiple submitters, no conflicts (2 of 4 stars). 2 submissions from 2 submitters: Uncertain significance (2). Last evaluated 2024-04-17.

Conditions:
Neuroblastoma, susceptibility to, 1. Identifiers: MedGen C2749485, MONDO:0009741, OMIM 256700.
Charcot-Marie-Tooth disease type 2A1. Also called: CHARCOT-MARIE-TOOTH DISEASE, AXONAL, TYPE 2A1; CHARCOT-MARIE-TOOTH DISEASE, AXONAL, AUTOSOMAL DOMINANT, TYPE 2A1; CHARCOT-MARIE-TOOTH DISEASE, NEURONAL, TYPE 2A1; CHARCOT-MARIE-TOOTH NEUROPATHY, TYPE 2A1; HEREDITARY MOTOR AND SENSORY NEUROPATHY IIA1. Identifiers: Orphanet 99946, MedGen C1861678, MONDO:0007308, OMIM 118210.

gnomAD v4.1: 1 of 1,611,920 alleles (0.000062%); no homozygotes.

Submissions (2):

Ambry Genetics
Classification: Uncertain significance. Last evaluated: 2024-04-17. Review status: criteria provided, single submitter. Criteria: Ambry Variant Classification Scheme 2023. Collection method: clinical testing. Allele origin: germline.
Comment: The p.N232D variant (also known as c.694A>G), located in coding exon 6 of the KIF1B gene, results from an A to G substitution at nucleotide position 694. The asparagine at codon 232 is replaced by aspartic acid, an amino acid with highly similar properties. This amino acid position is conserved. In addition, this alteration is predicted to be tolerated by in silico analysis. Based on the available evidence, the clinical significance of this variant remains unclear.

Fulgent Genetics
Classification: Uncertain significance for Charcot-Marie-Tooth disease type 2A1; Neuroblastoma, susceptibility to, 1. Last evaluated: 2024-02-23. Review status: criteria provided, single submitter. Criteria: ACMG Guidelines, 2015. Collection method: clinical testing. Allele origin: germline.

NM_001365951.3(KIF1B):c.694A>G (p.Asn232Asp)

Gene: KIF1B (kinesin family member 1B; plus strand). Cytogenetic location: 1p36.22.
Variant type: single nucleotide variant.
Coding change: c.694A>G on transcript NM_001365951.3 (MANE Select); coding-DNA position 694, A replaced by G.
Protein change: p.Asn232Asp; replaces asparagine 232 with aspartic acid.
Molecular consequence: missense variant.
Genome position (GRCh38, 1-based): chr1:10,268,237, A>G. VCF-style: chr1-10268237-A-G. GRCh37 (hg19) VCF-style: chr1-10328295-A-G.
Other names: c.694A>G, p.Asn232Asp (NM_001365952.1, NM_001365953.1, NM_015074.3 and 1 more transcripts); short protein forms N232D.
Identifiers: ClinVar variation 3288358 (VCV003288358.2).